The following is an entry in ClinVar:

NM_000038.6(APC):c.4096G>T (p.Ala1366Ser)

Gene: APC (APC regulator of Wnt signaling pathway; plus strand). Cytogenetic location: 5q22.2.
Variant type: single nucleotide variant.
Coding change: c.4096G>T on transcript NM_000038.6 (MANE Select); coding-DNA position 4096, G replaced by T.
Protein change: p.Ala1366Ser; replaces alanine 1366 with serine.
Molecular consequence: missense variant.
Genome position (GRCh38, 1-based): chr5:112,839,690, G>T. VCF-style: chr5-112839690-G-T. GRCh37 (hg19) VCF-style: chr5-112175387-G-T.
Other names: c.4096G>T, p.Ala1366Ser (NM_001127510.3, NM_001354895.2); c.4042G>T, p.Ala1348Ser (NM_001127511.3); c.4150G>T, p.Ala1384Ser (NM_001354896.2); c.4126G>T, p.Ala1376Ser (NM_001354897.2); c.4021G>T, p.Ala1341Ser (NM_001354898.2); c.4012G>T, p.Ala1338Ser (NM_001354899.2); c.3973G>T, p.Ala1325Ser (NM_001354900.2); c.3919G>T, p.Ala1307Ser (NM_001354901.2); and 5 more; short protein forms A1338S, A1366S, A1384S, A1325S, A1240S, A1341S, A1376S, A1083S.
Identifiers: ClinVar variation 654241 (VCV000654241.13), dbSNP rs1580643969, ClinGen allele CA16030303.

ClinVar aggregate classification (germline): Uncertain significance. Review status: criteria provided, multiple submitters, no conflicts (2 of 4 stars). 3 submissions from 3 submitters: Uncertain significance (3). Last evaluated 2025-09-30.

Conditions:
Hereditary cancer-predisposing syndrome. Also called: Neoplastic Syndromes, Hereditary; Tumor predisposition; Hereditary Cancer Syndrome; Hereditary neoplastic syndrome. Identifiers: Orphanet 140162, MedGen C0027672, MeSH D009386, MONDO:0015356.
Familial adenomatous polyposis 1 (FAP1). Also called: POLYPOSIS, ADENOMATOUS INTESTINAL; FAMILIAL ADENOMATOUS POLYPOSIS 1, ATTENUATED. Identifiers: MedGen C2713442, MONDO:0021056, OMIM 175100. Disease mechanism: loss of function.

Submissions (3):

Labcorp Genetics (formerly Invitae), Labcorp
Classification: Uncertain significance for Familial adenomatous polyposis 1. Last evaluated: 2025-09-30. Review status: criteria provided, single submitter. Criteria: Invitae Variant Classification Sherloc (09022015). Collection method: clinical testing. Allele origin: germline.
Comment: This sequence change replaces alanine, which is neutral and non-polar, with serine, which is neutral and polar, at codon 1366 of the APC protein (p.Ala1366Ser). This variant is not present in population databases (gnomAD no frequency). This variant has not been reported in the literature in individuals affected with APC-related conditions. ClinVar contains an entry for this variant (Variation ID: 654241). Invitae Evidence Modeling of protein sequence and biophysical properties (such as structural, functional, and spatial information, amino acid conservation, physicochemical variation, residue mobility, and thermodynamic stability) indicates that this missense variant is not expected to disrupt APC protein function with a negative predictive value of 95%. In summary, the available evidence is currently insufficient to determine the role of this variant in disease. Therefore, it has been classified as a Variant of Uncertain Significance.

Ambry Genetics
Classification: Uncertain significance for Hereditary cancer-predisposing syndrome. Last evaluated: 2025-06-16. Review status: criteria provided, single submitter. Criteria: Ambry Variant Classification Scheme 2023. Collection method: clinical testing. Allele origin: germline.
Comment: The p.A1366S variant (also known as c.4096G>T), located in coding exon 15 of the APC gene, results from a G to T substitution at nucleotide position 4096. The alanine at codon 1366 is replaced by serine, an amino acid with similar properties. This amino acid position is conserved. In addition, in silico predictors for this gene do not accurately predict pathogenicity. Based on the available evidence, the clinical significance of this variant remains unclear.

Color Diagnostics, LLC DBA Color Health
Classification: Uncertain significance for Hereditary cancer-predisposing syndrome. Last evaluated: 2020-09-15. Review status: criteria provided, single submitter. Criteria: ACMG Guidelines, 2015. Collection method: clinical testing. Allele origin: germline.
Comment: This missense variant replaces alanine with serine at codon 1366 of the APC protein. Computational prediction suggests that this variant may not impact protein structure and function (internally defined REVEL score threshold <= 0.5, PMID: 27666373). To our knowledge, functional studies have not been reported for this variant. This variant has not been reported in individuals affected with hereditary cancer in the literature. This variant has not been identified in the general population by the Genome Aggregation Database (gnomAD). The available evidence is insufficient to determine the role of this variant in disease conclusively. Therefore, this variant is classified as a Variant of Uncertain Significance.